The following is an entry in ClinVar:

NM_001007527.2(LMBRD2):c.1791+5G>A

Gene: LMBRD2 (LMBR1 domain containing 2; minus strand). Cytogenetic location: 5p13.2.
Variant type: single nucleotide variant.
Coding change: c.1791+5G>A on transcript NM_001007527.2 (MANE Select); 5 bases into the intron after coding-DNA position 1791, G replaced by A.
Molecular consequence: intron variant.
Genome position (GRCh38, 1-based): chr5:36,109,940, C>T on the plus strand (G>A on the coding strand, the complement: LMBRD2 is on the minus strand). VCF-style: chr5-36109940-C-T. GRCh37 (hg19) VCF-style: chr5-36110042-C-T.
Identifiers: ClinVar variation 3365855 (VCV003365855.1).

ClinVar aggregate classification (germline): Uncertain significance (1 of 4 stars; one submission).

Submission:

GeneDx
Classification: Uncertain significance. Last evaluated: 2023-12-17. Review status: criteria provided, single submitter. Criteria: GeneDx Variant Classification Process June 2021. Collection method: clinical testing. Allele origin: germline. Affected: yes.
Comment: Not observed at significant frequency in large population cohorts (gnomAD); In silico analysis supports a deleterious effect on splicing; Has not been previously published as pathogenic or benign to our knowledge